The following is an entry in ClinVar:

ClinVar aggregate classification (germline): Uncertain significance (1 of 4 stars; one submission).

Conditions:
Bethlem myopathy 1A. Also called: Bethlem myopathy 1; Bethlem Muscular Dystrophy; MYOPATHY, BENIGN CONGENITAL, WITH CONTRACTURES. Identifiers: Orphanet 610, MedGen CN029274, MONDO:0024530, OMIM 158810.

gnomAD v4.1: 3 of 1,614,240 alleles (0.00019%); highest among the groups gnomAD compares: Non-Finnish European, 0.00025%; no homozygotes.

Submission:

Labcorp Genetics (formerly Invitae), Labcorp
Classification: Uncertain significance for Bethlem myopathy 1A. Last evaluated: 2025-09-28. Review status: criteria provided, single submitter. Criteria: Invitae Variant Classification Sherloc (09022015). Collection method: clinical testing. Allele origin: germline.
Comment: This sequence change falls in intron 11 of the COL6A3 gene. It does not directly change the encoded amino acid sequence of the COL6A3 protein. It affects a nucleotide within the consensus splice site. This variant is not present in population databases (gnomAD no frequency). This variant has not been reported in the literature in individuals affected with COL6A3-related conditions. Variants that disrupt the consensus splice site are a relatively common cause of aberrant splicing (PMID: 17576681, 9536098). Algorithms developed to predict the effect of sequence changes on RNA splicing suggest that this variant is not likely to affect RNA splicing. In summary, the available evidence is currently insufficient to determine the role of this variant in disease. Therefore, it has been classified as a Variant of Uncertain Significance.

Literature cited by the submitters: PubMed 17576681; PubMed 9536098.

NM_004369.4(COL6A3):c.5500+5C>G

Gene: COL6A3 (collagen type VI alpha 3 chain; minus strand). Cytogenetic location: 2q37.3.
Variant type: single nucleotide variant.
Coding change: c.5500+5C>G on transcript NM_004369.4 (MANE Select); 5 bases into the intron after coding-DNA position 5500, C replaced by G.
Molecular consequence: intron variant.
Genome position (GRCh38, 1-based): chr2:237,366,682, G>C on the plus strand (C>G on the coding strand, the complement: COL6A3 is on the minus strand). VCF-style: chr2-237366682-G-C. GRCh37 (hg19) VCF-style: chr2-238275325-G-C.
Other names: c.3679+5C>G (NM_057166.5); c.4882+5C>G (NM_057167.4).
Identifiers: ClinVar variation 4774261 (VCV004774261.1).
Genomic context (GRCh38, chr2:237,366,682, plus strand): 5'-AGACAGCTAAAGAGGCACAAATGTCAACAGGAAAGGATGGAAAATATGCACATAATGGGA[G>C]TTACCTTTGGCAGCATCAGTTACACCAGGGCAAAGGGTTTCATGCATCGCATCATGCAAA-3'